The following is an entry in ClinVar:

ClinVar aggregate classification (germline): Likely benign (1 of 4 stars; one submission).

Conditions:
WDPCP-related disorder. Also called: WDPCP-related condition.

gnomAD v4.1: 2 of 1,595,892 alleles (0.00013%); highest among the groups gnomAD compares: Non-Finnish European, 0.00017%; no homozygotes.

Submission:

PreventionGenetics, part of Exact Sciences
Classification: Likely benign for WDPCP-related condition. Last evaluated: 2024-10-10. Review status: criteria provided, single submitter. Criteria: ACMG Guidelines, 2015. Collection method: clinical testing. Allele origin: germline.
Comment: This variant is classified as likely benign based on ACMG/AMP sequence variant interpretation guidelines (Richards et al. 2015 PMID: 25741868, with internal and published modifications).

NM_015910.7(WDPCP):c.500-335A>C

Gene: WDPCP (WD repeat containing planar cell polarity effector; minus strand). Cytogenetic location: 2p15.
Variant type: single nucleotide variant.
Coding change: c.500-335A>C on transcript NM_015910.7 (MANE Select); 335 bases into the intron before coding-DNA position 500, A replaced by C.
Molecular consequence: intron variant. On other transcripts: 5 prime UTR variant (1), non-coding transcript variant (1).
Genome position (GRCh38, 1-based): chr2:63,437,889, T>G on the plus strand (A>C on the coding strand, the complement: WDPCP is on the minus strand). VCF-style: chr2-63437889-T-G. GRCh37 (hg19) VCF-style: chr2-63665023-T-G.
Other names: c.-6A>C (NM_001042692.3); c.428-335A>C (NM_001354044.2); c.500-335A>C (NM_001354045.2).
Identifiers: ClinVar variation 5000650 (VCV005000650.1).